The following is an entry in ClinVar:

ClinVar aggregate classification (germline): Benign (0 of 4 stars; one submission).

Conditions:
MFHAS1-related disorder. Also called: MFHAS1-related condition.

Allele frequency attached by ClinVar (database versions not stated): gnomAD exomes 0.00035; ExAC 0.00121; gnomAD 0.00379; TOPMed 0.00454; 1000 Genomes Project 0.00459; ESP Exome Variant Server 0.00469; 1000 Genomes Project 30x 0.00484.
gnomAD v4.1: 1,102 of 1,614,104 alleles (0.068%); highest among the groups gnomAD compares: African/African-American, 1.4%; 10 homozygotes.

Submission:

PreventionGenetics, part of Exact Sciences
Classification: Benign for MFHAS1-related condition. Last evaluated: 2019-08-12. Review status: no assertion criteria provided. Collection method: clinical testing. Allele origin: germline.
Comment: This variant is classified as benign based on ACMG/AMP sequence variant interpretation guidelines (Richards et al. 2015 PMID: 25741868, with internal and published modifications).

NM_004225.3(MFHAS1):c.2166C>T (p.Leu722=)

Gene: MFHAS1 (multifunctional ROCO family signaling regulator 1). Cytogenetic location: 8p23.1.
Variant type: single nucleotide variant.
Coding change: c.2166C>T on transcript NM_004225.3 (MANE Select); coding-DNA position 2166, C replaced by T.
Protein change: p.Leu722=; no amino-acid change (leucine 722 retained).
Molecular consequence: synonymous variant.
Genome position (GRCh38, 1-based): chr8:8,890,893, G>A on the plus strand (C>T on the coding strand, the complement: MFHAS1 is on the minus strand). VCF-style: chr8-8890893-G-A. GRCh37 (hg19) VCF-style: chr8-8748403-G-A.
Identifiers: ClinVar variation 3034028 (VCV003034028.2), dbSNP rs35971977, ClinGen allele CA4619057.